The following is an entry in ClinVar:

NM_201253.3(CRB1):c.1873G>A (p.Val625Ile)

Gene: CRB1 (crumbs cell polarity complex component 1; plus strand). Cytogenetic location: 1q31.3.
Variant type: single nucleotide variant.
Coding change: c.1873G>A on transcript NM_201253.3 (MANE Select); coding-DNA position 1873, G replaced by A.
Protein change: p.Val625Ile; replaces valine 625 with isoleucine.
Molecular consequence: missense variant. On other transcripts: non-coding transcript variant (1).
Genome position (GRCh38, 1-based): chr1:197,421,701, G>A. VCF-style: chr1-197421701-G-A. GRCh37 (hg19) VCF-style: chr1-197390831-G-A.
Other names: c.1537G>A, p.Val513Ile (NM_001193640.2); c.1666G>A, p.Val556Ile (NM_001257965.2); c.1873G>A, p.Val625Ile (NM_001257966.2); c.1873G>A (NM_201253.2); short protein forms V513I, V556I, V625I.
Identifiers: ClinVar variation 1901085 (VCV001901085.3), dbSNP rs992823566, ClinGen allele CA35893814.

ClinVar aggregate classification (germline): Uncertain significance. Review status: criteria provided, single submitter (1 of 4 stars). 2 submissions from 2 submitters: Uncertain significance (1). 1 of the submissions does not count toward it. Last evaluated 2022-05-05.

Conditions:
Retinitis pigmentosa 12 (RP12). Also called: RP WITH OR WITHOUT PRESERVED PARAARTERIOLE RETINAL PIGMENT EPITHELIUM; RETINITIS PIGMENTOSA WITH OR WITHOUT PARAARTERIOLAR PRESERVATION OF RETINAL PIGMENT EPITHELIUM; RP WITH OR WITHOUT PPRPE. Identifiers: Orphanet 791, MedGen C1838647, MONDO:0010818, OMIM 600105.
Leber congenital amaurosis 8 (LCA8). Identifiers: Orphanet 65, MedGen C3151202, MONDO:0013453, OMIM 613835.
Leber congenital amaurosis (LCA). Also called: Leber's amaurosis. Identifiers: Orphanet 65, MedGen C0339527, MeSH D057130, MONDO:0018998.

Submissions (2):

Labcorp Genetics (formerly Invitae), Labcorp
Classification: Uncertain significance for Leber congenital amaurosis 8; Retinitis pigmentosa 12. Last evaluated: 2022-05-05. Review status: criteria provided, single submitter. Criteria: Invitae Variant Classification Sherloc (09022015). Collection method: clinical testing. Allele origin: germline.
Comment: This sequence change replaces valine, which is neutral and non-polar, with isoleucine, which is neutral and non-polar, at codon 625 of the CRB1 protein (p.Val625Ile). This variant is not present in population databases (gnomAD no frequency). This variant has not been reported in the literature in individuals affected with CRB1-related conditions. Advanced modeling of protein sequence and biophysical properties (such as structural, functional, and spatial information, amino acid conservation, physicochemical variation, residue mobility, and thermodynamic stability) performed at Invitae indicates that this missense variant is not expected to disrupt CRB1 protein function. In summary, the available evidence is currently insufficient to determine the role of this variant in disease. Therefore, it has been classified as a Variant of Uncertain Significance.

Natera, Inc.
Classification: Uncertain significance for Leber congenital amaurosis. Last evaluated: 2025-03-03. Review status: no assertion criteria provided. Collection method: clinical testing. Allele origin: germline. Not counted in ClinVar's aggregate classification.